The following is an entry in ClinVar:

ClinVar aggregate classification (germline): Benign. Review status: criteria provided, multiple submitters, no conflicts (2 of 4 stars). 2 submissions from 2 submitters: Benign (2). Last evaluated 2018-01-12.

Conditions:
Oroticaciduria. Also called: Orotic aciduria. Identifiers: Orphanet 30, MedGen C0268128, HP:0003218.

Allele frequency attached by ClinVar (database versions not stated): 1000 Genomes Project 0.18590; gnomAD 0.17657; TOPMed 0.17980; 1000 Genomes Project 30x 0.18723; ExAC 0.19118.
gnomAD v4.1: 84,267 of 453,904 alleles (19%); highest among the groups gnomAD compares: Admixed American, 29%; 8,649 homozygotes.

Submissions (2):

Illumina Laboratory Services, Illumina
Classification: Benign for Hereditary orotic aciduria. Last evaluated: 2018-01-12. Review status: criteria provided, single submitter. Criteria: ICSL Variant Classification Criteria 13 December 2019. Collection method: clinical testing. Allele origin: germline.
Comment: This variant was observed in the ICSL laboratory as part of a predisposition screen in an ostensibly healthy population. It had not been previously curated by ICSL or reported in the Human Gene Mutation Database (HGMD: prior to June 1st, 2018), and was therefore a candidate for classification through an automated scoring system. Utilizing variant allele frequency, disease prevalence and penetrance estimates, and inheritance mode, an automated score was calculated to assess if this variant is too frequent to cause the disease. Based on the score and internal cut-off values, a variant classified as benign is not then subjected to further curation. The score for this variant resulted in a classification of benign for this disease.

Breakthrough Genomics
Classification: Benign. Review status: criteria provided, single submitter. Criteria: ACMG Guidelines, 2015. Collection method: not provided. Allele origin: germline. Inheritance: Autosomal recessive inheritance. Affected: yes.

NM_000373.4(UMPS):c.*1051G>T

Gene: UMPS (uridine monophosphate synthetase; plus strand). Cytogenetic location: 3q21.2.
Variant type: single nucleotide variant.
Coding change: c.*1051G>T on transcript NM_000373.4 (MANE Select); 1051 bases downstream of the stop codon, G replaced by T.
Molecular consequence: 3 prime UTR variant. On other transcripts: non-coding transcript variant (2).
Genome position (GRCh38, 1-based): chr3:124,745,135, G>T. VCF-style: chr3-124745135-G-T. GRCh37 (hg19) VCF-style: chr3-124463982-G-T.
Identifiers: ClinVar variation 342948 (VCV000342948.6), dbSNP rs2242248, ClinGen allele CA2581962.
Genomic context (GRCh38, chr3:124,745,135, plus strand): 5'-TTAGGAGGTCTAAGATTCCATTTGGGTATTTGCTTAAGGATCCCACATAATTGTCCCAAC[G>T]GTCATTAGTAGAGGGGAGGTAAGCCTTCATTAATAATAAAGAGAAAGCCCACATTCAAGG-3'